The following is an entry in ClinVar:

NM_001379291.1(BRD4):c.617C>T (p.Pro206Leu)

Gene: BRD4 (bromodomain containing 4; minus strand). Cytogenetic location: 19p13.12.
Variant type: single nucleotide variant.
Coding change: c.617C>T on transcript NM_001379291.1 (MANE Select); coding-DNA position 617, C replaced by T.
Protein change: p.Pro206Leu; replaces proline 206 with leucine.
Molecular consequence: missense variant.
Genome position (GRCh38, 1-based): chr19:15,265,586, G>A on the plus strand (C>T on the coding strand, the complement: BRD4 is on the minus strand). VCF-style: chr19-15265586-G-A. GRCh37 (hg19) VCF-style: chr19-15376397-G-A.
Other names: c.617C>T, p.Pro206Leu (NM_001330384.2, NM_001379292.1, NM_014299.3 and 1 more transcripts); short protein forms P206L.
Identifiers: ClinVar variation 2882753 (VCV002882753.3), dbSNP rs749620806, ClinGen allele CA9265586.

ClinVar aggregate classification (germline): Uncertain significance. Review status: criteria provided, multiple submitters, no conflicts (2 of 4 stars). 2 submissions from 2 submitters: Uncertain significance (2). Last evaluated 2026-06-17.

Allele frequency attached by ClinVar (database versions not stated): gnomAD 0.00001; gnomAD exomes 0.00001; TOPMed 0.00001; ExAC 0.00002.
gnomAD v4.1: 12 of 1,613,982 alleles (0.00074%); highest among the groups gnomAD compares: Admixed American, 0.0083%; no homozygotes.

Submissions (2):

Women's Health and Genetics/Laboratory Corporation of America, LabCorp
Classification: Uncertain significance. Last evaluated: 2026-06-17. Review status: criteria provided, single submitter. Criteria: LabCorp Variant Classification Summary - May 2015. Collection method: clinical testing. Allele origin: germline.
Comment: Variant summary: BRD4 c.617C>T (p.Pro206Leu) results in a non-conservative amino acid change in the encoded protein sequence. Algorithms developed to predict the effect of missense changes on protein structure and function are either unavailable or do not agree on the potential impact of this missense change. The variant allele was found at a frequency of 2.4e-05 in 251290 control chromosomes. The available data on variant occurrences in the general population are insufficient to allow any conclusion about variant significance. To our knowledge, no occurrence of c.617C>T in individuals affected with BRD4-related conditions and no experimental evidence demonstrating its impact on protein function have been reported. ClinVar contains an entry for this variant (Variation ID: 2882753). Based on the evidence outlined above, the variant was classified as uncertain significance.

Labcorp Genetics (formerly Invitae), Labcorp
Classification: Uncertain significance. Last evaluated: 2024-11-04. Review status: criteria provided, single submitter. Criteria: Invitae Variant Classification Sherloc (09022015). Collection method: clinical testing. Allele origin: germline.
Comment: This sequence change replaces proline, which is neutral and non-polar, with leucine, which is neutral and non-polar, at codon 206 of the BRD4 protein (p.Pro206Leu). This variant is present in population databases (rs749620806, gnomAD 0.009%). This variant has not been reported in the literature in individuals affected with BRD4-related conditions. ClinVar contains an entry for this variant (Variation ID: 2882753). Experimental studies and prediction algorithms are not available or were not evaluated, and the functional significance of this variant is currently unknown. In summary, the available evidence is currently insufficient to determine the role of this variant in disease. Therefore, it has been classified as a Variant of Uncertain Significance.